The following is an entry in ClinVar:

NM_003718.5(CDK13):c.469CTG[4] (p.Leu159_Gly160insLeu)

Genes: CDK13 (cyclin dependent kinase 13; plus strand), LOC129998292 (ATAC-STARR-seq lymphoblastoid silent region 18115; plus strand). Cytogenetic location: 7p14.1.
Variant type: Microsatellite.
Coding change: c.469CTG[4] on transcript NM_003718.5 (MANE Select); four copies in a row of the 3-base unit CTG starting at c.469; the reference has three copies in a row; one copy, 3 bases duplicated.
Protein change: p.Leu159_Gly160insLeu.
Molecular consequence: inframe indel (on NM_031267.4).
Genome position (GRCh38, 1-based): chr7:39,951,116-39,951,118, CTG duplicated; duplicating any 3 consecutive bases within chr7:39,951,109-39,951,118 gives the same sequence; the position shown is the placement nearest the transcript's 3' end. VCF-style (leftmost placement, unchanged base first): chr7-39951108-G-GGCT. GRCh37 (hg19) VCF-style: chr7-39990707-G-GGCT.
Other names: c.469_471CTG[4], p.Leu159_Gly160insLeu (NM_031267.4).
Identifiers: ClinVar variation 3572644 (VCV003572644.1).
Genomic context (GRCh38, chr7:39,951,108, plus strand): 5'-GCGGCGGGGGTGTGACCCCGCTGGTGGAATACGAGGATGTGAGCTCCCAGTCCGAGCAGG[G>GGCT]GCTGCTGCTGGGGGGGGCCAGCGCGGCAACGGCGGCGACGGCTGCCGGGGGAACGGGGGG-3'

ClinVar aggregate classification (germline): Uncertain significance (1 of 4 stars; one submission).

Submission:

GeneDx
Classification: Uncertain significance. Last evaluated: 2024-07-08. Review status: criteria provided, single submitter. Criteria: GeneDx Variant Classification Process June 2021. Collection method: clinical testing. Allele origin: germline. Affected: yes.
Comment: Not observed at significant frequency in large population cohorts (gnomAD); In-frame insertion of 1 amino acids in a non-repeat region; Has not been previously published as pathogenic or benign to our knowledge